The following is an entry in ClinVar:

ClinVar aggregate classification (germline): Uncertain significance (1 of 4 stars; one submission).

Conditions:
Early-infantile DEE. Also called: Early infantile epileptic encephalopathy; Ohtahara syndrome; Early infantile epileptic encephalopathy with suppression bursts. Identifiers: Orphanet 1934, MedGen C0393706, MONDO:0800491.

gnomAD v4.1: 6 of 1,614,070 alleles (0.00037%); highest among the groups gnomAD compares: Non-Finnish European, 0.00042%; no homozygotes.

Submission:

Labcorp Genetics (formerly Invitae), Labcorp
Classification: Uncertain significance for Early-infantile DEE. Last evaluated: 2024-08-24. Review status: criteria provided, single submitter. Criteria: Invitae Variant Classification Sherloc (09022015). Collection method: clinical testing. Allele origin: germline.
Comment: This sequence change replaces histidine, which is basic and polar, with glutamine, which is neutral and polar, at codon 1594 of the SPTAN1 protein (p.His1594Gln). This variant is present in population databases (rs758404011, gnomAD 0.0009%). This variant has not been reported in the literature in individuals affected with SPTAN1-related conditions. Invitae Evidence Modeling of protein sequence and biophysical properties (such as structural, functional, and spatial information, amino acid conservation, physicochemical variation, residue mobility, and thermodynamic stability) has been performed for this missense variant. However, the output from this modeling did not meet the statistical confidence thresholds required to predict the impact of this variant on SPTAN1 protein function. In summary, the available evidence is currently insufficient to determine the role of this variant in disease. Therefore, it has been classified as a Variant of Uncertain Significance.

NM_001130438.3(SPTAN1):c.4782C>G (p.His1594Gln)

Gene: SPTAN1 (spectrin alpha, non-erythrocytic 1; plus strand). Cytogenetic location: 9q34.11.
Variant type: single nucleotide variant.
Coding change: c.4782C>G on transcript NM_001130438.3 (MANE Select); coding-DNA position 4782, C replaced by G.
Protein change: p.His1594Gln; replaces histidine 1594 with glutamine.
Molecular consequence: missense variant.
Genome position (GRCh38, 1-based): chr9:128,611,722, C>G. VCF-style: chr9-128611722-C-G. GRCh37 (hg19) VCF-style: chr9-131374001-C-G.
Other names: c.4782C>G, p.His1594Gln (NM_001375311.2, NM_001375313.1, NM_001363759.2 and 1 more transcripts); c.4818C>G, p.His1606Gln (NM_001375312.2, NM_001375318.1); c.4722C>G, p.His1574Gln (NM_001375314.2, NM_001363765.2); c.4767C>G, p.His1589Gln (NM_003127.4); c.4707C>G, p.His1569Gln (NM_001195532.2); short protein forms H1594Q, H1569Q, H1574Q, H1589Q, H1606Q.
Identifiers: ClinVar variation 3635916 (VCV003635916.2).
Genomic context (GRCh38, chr9:128,611,722, plus strand): 5'-AGACATAACCTAGCAGGAACTGGTTTGGAAAAAATTTTTTTGGTATTTTTAGAGCAAGCA[C>G]CAGAAGCACCAGGCTTTTGAAGCAGAGCTGCATGCCAACGCTGACCGGATCCGTGGGGTT-3'
Protein context (NP_001123910.1, residues 1584-1604): NIQLSKLLSK[His1594Gln]QKHQAFEAEL